The following is an entry in ClinVar:

NM_152564.5(VPS13B):c.11616G>A (p.Val3872=)

Gene: VPS13B (vacuolar protein sorting 13 homolog B; plus strand). Cytogenetic location: 8q22.2.
Variant type: single nucleotide variant.
Coding change: c.11616G>A on transcript NM_152564.5 (MANE Select); coding-DNA position 11616, G replaced by A.
Protein change: p.Val3872=; no amino-acid change (valine 3872 retained).
Molecular consequence: synonymous variant.
Genome position (GRCh38, 1-based): chr8:99,871,568, G>A. VCF-style: chr8-99871568-G-A. GRCh37 (hg19) VCF-style: chr8-100883796-G-A.
Other names: p.Val3897=; c.11691G>A, p.Val3897= (NM_017890.5); c.11616G>A (NM_152564.4).
Identifiers: ClinVar variation 707824 (VCV000707824.18), dbSNP rs760377055, ClinGen allele CA4825286.

ClinVar aggregate classification (germline): Likely benign. Review status: criteria provided, multiple submitters, no conflicts (2 of 4 stars). 6 submissions from 6 submitters: Likely benign (5). 1 of the submissions does not count toward it. Last evaluated 2026-07-01.

Conditions:
VPS13B-related disorder. Also called: VPS13B-related condition.
Cohen syndrome (COH1). Also called: PEPPER SYNDROME; Cutis verticis gyrata, retinitis pigmentosa, and sensorineural deafness. Identifiers: Orphanet 193, MedGen C0265223, MONDO:0008999, OMIM 216550.

Allele frequency attached by ClinVar (database versions not stated): ExAC 0.00001; gnomAD exomes 0.00002 and 0.00004; gnomAD 0.00003 and 0.00004; TOPMed 0.00005.
gnomAD v4.1: 47 of 1,614,082 alleles (0.0029%); highest among the groups gnomAD compares: Middle Eastern, 0.049%; no homozygotes.

Submissions (6):

CeGaT Center for Human Genetics Tuebingen
Classification: Likely benign. Last evaluated: 2026-07-01. Review status: criteria provided, single submitter. Criteria: CeGaT Center For Human Genetics Tuebingen Variant Classification Criteria Version 2. Collection method: clinical testing. Allele origin: germline. Affected: yes. Observed: 2 variant alleles.
Comment: VPS13B: BP4, BP7

Labcorp Genetics (formerly Invitae), Labcorp
Classification: Likely benign for Cohen syndrome. Last evaluated: 2025-11-29. Review status: criteria provided, single submitter. Criteria: Invitae Variant Classification Sherloc (09022015). Collection method: clinical testing. Allele origin: germline.

PreventionGenetics, part of Exact Sciences
Classification: Likely benign for VPS13B-related condition. Last evaluated: 2025-08-15. Review status: criteria provided, single submitter. Criteria: ACMG Guidelines, 2015. Collection method: clinical testing. Allele origin: germline.
Comment: This variant is classified as likely benign based on ACMG/AMP sequence variant interpretation guidelines (Richards et al. 2015 PMID: 25741868, with internal and published modifications).

Mayo Clinic Laboratories, Mayo Clinic
Classification: Likely benign. Last evaluated: 2025-08-07. Review status: criteria provided, single submitter. Criteria: ACMG Guidelines, 2015. Collection method: clinical testing. Allele origin: germline. Observed: 1 variant allele.
Comment: BP4, BP7

Blueprint Genetics
Classification: Likely benign. Last evaluated: 2024-09-13. Review status: criteria provided, single submitter. Criteria: ACMG Guidelines, 2015. Collection method: clinical testing. Allele origin: germline.

Natera, Inc.
Classification: Uncertain significance for Cohen syndrome. Last evaluated: 2020-03-17. Review status: no assertion criteria provided. Collection method: clinical testing. Allele origin: germline. Not counted in ClinVar's aggregate classification.